The following is an entry in ClinVar:

NM_001378615.1(CC2D2A):c.3381A>G (p.Glu1127=)

Genes: CC2D2A (coiled-coil and C2 domain containing 2A; plus strand), FBXL5 (F-box and leucine rich repeat protein 5; minus strand). Cytogenetic location: 4p15.32.
Variant type: single nucleotide variant.
Coding change: c.3381A>G on transcript NM_001378615.1 (MANE Select); coding-DNA position 3381, A replaced by G.
Protein change: p.Glu1127=; no amino-acid change (glutamic acid 1127 retained).
Molecular consequence: synonymous variant.
Genome position (GRCh38, 1-based): chr4:15,567,769, A>G. VCF-style: chr4-15567769-A-G. GRCh37 (hg19) VCF-style: chr4-15569392-A-G.
Other names: c.3381A>G, p.Glu1127= (NM_001080522.2); c.3234A>G, p.Glu1078= (NM_001378617.1).
Identifiers: ClinVar variation 1153133 (VCV001153133.15), dbSNP rs373780145, ClinGen allele CA2864152.

ClinVar aggregate classification (germline): Likely benign. Review status: criteria provided, multiple submitters, no conflicts (2 of 4 stars). 4 submissions from 4 submitters: Likely benign (3). 1 of the submissions does not count toward it. Last evaluated 2026-01-09.

Conditions:
Joubert syndrome. Also called: JOUBERT-BOLTSHAUSER SYNDROME; Familial aplasia of the vermis. Identifiers: Orphanet 475, MedGen C5979921, MONDO:0018772.
Meckel-Gruber syndrome. Also called: DYSENCEPHALIA SPLANCHNOCYSTICA; GRUBER SYNDROME; Dysencephalia splachnocystica. Identifiers: Orphanet 564, MedGen C0265215, MONDO:0018921.
CC2D2A-related disorder. Also called: CC2D2A-related disorders; CC2D2A-related condition. Identifiers: MedGen CN239313.

Allele frequency attached by ClinVar (database versions not stated): gnomAD exomes 0.00006; ExAC 0.00011; TOPMed 0.00020; ESP Exome Variant Server 0.00033; 1000 Genomes Project 30x 0.00062; 1000 Genomes Project 0.00080.
gnomAD v4.1: 61 of 1,591,772 alleles (0.0038%); highest among the groups gnomAD compares: African/African-American, 0.075%; no homozygotes.

Submissions (4):

Labcorp Genetics (formerly Invitae), Labcorp
Classification: Likely benign for Joubert syndrome; Meckel-Gruber syndrome. Last evaluated: 2026-01-09. Review status: criteria provided, single submitter. Criteria: Invitae Variant Classification Sherloc (09022015). Collection method: clinical testing. Allele origin: germline.

GeneDx
Classification: Likely benign. Last evaluated: 2020-08-18. Review status: criteria provided, single submitter. Criteria: GeneDx Variant Classification Process June 2021. Collection method: clinical testing. Allele origin: germline. Affected: yes.

Blueprint Genetics
Classification: Likely benign. Last evaluated: 2017-07-06. Review status: criteria provided, single submitter. Criteria: ACMG Guidelines, 2015. Collection method: clinical testing. Allele origin: germline.

PreventionGenetics, part of Exact Sciences
Classification: Likely benign for CC2D2A-related condition. Last evaluated: 2022-10-10. Review status: no assertion criteria provided. Collection method: clinical testing. Allele origin: germline. Not counted in ClinVar's aggregate classification.
Comment: This variant is classified as likely benign based on ACMG/AMP sequence variant interpretation guidelines (Richards et al. 2015 PMID: 25741868, with internal and published modifications).